The following is an entry in ClinVar:

ClinVar aggregate classification (germline): Likely benign. Review status: criteria provided, multiple submitters, no conflicts (2 of 4 stars). 2 submissions from 2 submitters: Likely benign (2). Last evaluated 2025-05-04.

Conditions:
Early-infantile DEE. Also called: Early infantile epileptic encephalopathy with suppression bursts; Ohtahara syndrome; Early infantile epileptic encephalopathy. Identifiers: Orphanet 1934, MedGen C0393706, MONDO:0800491.

Allele frequency attached by ClinVar (database versions not stated): gnomAD 0.00001; ExAC 0.00002; TOPMed 0.00003; ESP Exome Variant Server 0.00008.
gnomAD v4.1: 49 of 1,613,992 alleles (0.003%); highest among the groups gnomAD compares: Non-Finnish European, 0.0036%; no homozygotes.

Submissions (2):

Labcorp Genetics (formerly Invitae), Labcorp
Classification: Likely benign for Early-infantile DEE. Last evaluated: 2025-05-04. Review status: criteria provided, single submitter. Criteria: Invitae Variant Classification Sherloc (09022015). Collection method: clinical testing. Allele origin: germline.

GeneDx
Classification: Likely benign. Last evaluated: 2017-04-20. Review status: criteria provided, single submitter. Criteria: GeneDx Variant Classification (06012015). Collection method: clinical testing. Allele origin: germline. Affected: yes.
Comment: This variant is considered likely benign or benign based on one or more of the following criteria: it is a conservative change, it occurs at a poorly conserved position in the protein, it is predicted to be benign by multiple in silico algorithms, and/or has population frequency not consistent with disease.

NM_001130438.3(SPTAN1):c.6270C>T (p.His2090=)

Gene: SPTAN1 (spectrin alpha, non-erythrocytic 1; plus strand). Cytogenetic location: 9q34.11.
Variant type: single nucleotide variant.
Coding change: c.6270C>T on transcript NM_001130438.3 (MANE Select); coding-DNA position 6270, C replaced by T.
Protein change: p.His2090=; no amino-acid change (histidine 2090 retained).
Molecular consequence: synonymous variant.
Genome position (GRCh38, 1-based): chr9:128,625,969, C>T. VCF-style: chr9-128625969-C-T. GRCh37 (hg19) VCF-style: chr9-131388248-C-T.
Other names: c.6195C>T, p.His2065= (NM_001195532.2); c.6270C>T, p.His2090= (NM_001363759.2); c.6210C>T, p.His2070= (NM_001363765.2); c.6255C>T, p.His2085= (NM_003127.4).
Identifiers: ClinVar variation 509089 (VCV000509089.11), dbSNP rs370102482, ClinGen allele CA5265671.
Genomic context (GRCh38, chr9:128,625,969, plus strand): 5'-GAGCCAGCTTCTGGCCAACTCAGCCGCCCGCAAGAAGAAGCTTCTGGAGGCTCAGAGTCA[C>T]TTCCGCAAGGTGAGGATGGGGCCACGTGAAGCTTAGCTGGCCCACAGCTCAAGGAAGGAC-3'
Protein context (NP_001123910.1, residues 2080-2100): RKKKLLEAQS[His2090=]FRKVEDLFLT